The following is an entry in ClinVar:

NM_001376.5(DYNC1H1):c.11014T>G (p.Ser3672Ala)

Gene: DYNC1H1 (dynein cytoplasmic 1 heavy chain 1; plus strand). Cytogenetic location: 14q32.31.
Variant type: single nucleotide variant.
Coding change: c.11014T>G on transcript NM_001376.5 (MANE Select); coding-DNA position 11014, T replaced by G.
Protein change: p.Ser3672Ala; replaces serine 3672 with alanine.
Molecular consequence: missense variant.
Genome position (GRCh38, 1-based): chr14:102,038,565, T>G. VCF-style: chr14-102038565-T-G. GRCh37 (hg19) VCF-style: chr14-102504902-T-G.
Other names: short protein forms S3672A.
Identifiers: ClinVar variation 2098141 (VCV002098141.4), dbSNP rs2152594742, ClinGen allele CA391031831.

ClinVar aggregate classification (germline): Uncertain significance (1 of 4 stars; one submission).

Conditions:
Charcot-Marie-Tooth disease axonal type 2O. Also called: CHARCOT-MARIE-TOOTH NEUROPATHY, AXONAL, TYPE 2O; CHARCOT-MARIE-TOOTH DISEASE, AXONAL, AUTOSOMAL DOMINANT, TYPE 2O; Charcot-Marie-Tooth Neuropathy Type 2O; Charcot-Marie-Tooth disease, axonal, type 20. Identifiers: Orphanet 284232, MedGen C3280220, MONDO:0013644, OMIM 614228.

Submission:

Labcorp Genetics (formerly Invitae), Labcorp
Classification: Uncertain significance for Charcot-Marie-Tooth disease axonal type 2O. Last evaluated: 2024-11-18. Review status: criteria provided, single submitter. Criteria: Invitae Variant Classification Sherloc (09022015). Collection method: clinical testing. Allele origin: germline.
Comment: This sequence change replaces serine, which is neutral and polar, with alanine, which is neutral and non-polar, at codon 3672 of the DYNC1H1 protein (p.Ser3672Ala). This variant is not present in population databases (gnomAD no frequency). This variant has not been reported in the literature in individuals affected with DYNC1H1-related conditions. ClinVar contains an entry for this variant (Variation ID: 2098141). Invitae Evidence Modeling of protein sequence and biophysical properties (such as structural, functional, and spatial information, amino acid conservation, physicochemical variation, residue mobility, and thermodynamic stability) has been performed for this missense variant. However, the output from this modeling did not meet the statistical confidence thresholds required to predict the impact of this variant on DYNC1H1 protein function. In summary, the available evidence is currently insufficient to determine the role of this variant in disease. Therefore, it has been classified as a Variant of Uncertain Significance.